The following is an entry in ClinVar:

NM_172107.4(KCNQ2):c.387+13G>T

Gene: KCNQ2 (potassium voltage-gated channel subfamily Q member 2; minus strand). Cytogenetic location: 20q13.33.
Variant type: single nucleotide variant.
Coding change: c.387+13G>T on transcript NM_172107.4 (MANE Select); 13 bases into the intron after coding-DNA position 387, G replaced by T.
Molecular consequence: intron variant.
Genome position (GRCh38, 1-based): chr20:63,446,734, C>A on the plus strand (G>T on the coding strand, the complement: KCNQ2 is on the minus strand). VCF-style: chr20-63446734-C-A. GRCh37 (hg19) VCF-style: chr20-62078087-C-A.
Other names: c.387+13G>T (NM_004518.6, NM_172108.5, NM_172106.3 and 1 more transcripts).
Identifiers: ClinVar variation 517806 (VCV000517806.3), dbSNP rs1340593322, ClinGen allele CA658799393.
Genomic context (GRCh38, chr20:63,446,734, plus strand): 5'-CGGAAGACAGACGCCCAGGCAGCTCCAGCTCCTTCCTGGGCACTTCCAGCCCCCGCCCTC[C>A]CTCGGGGCTCACCAGGATGTAGAGGGCCCCCTCCGAGCTCTTCTCATACTCCTTGATGGT-3'

ClinVar aggregate classification (germline): Likely benign. Review status: criteria provided, multiple submitters, no conflicts (2 of 4 stars). 2 submissions from 2 submitters: Likely benign (2). Last evaluated 2024-07-15.

Conditions:
Early-infantile DEE. Also called: Early infantile epileptic encephalopathy with suppression bursts; Early infantile epileptic encephalopathy; Ohtahara syndrome. Identifiers: Orphanet 1934, MedGen C0393706, MONDO:0800491.

Allele frequency attached by ClinVar (database versions not stated): gnomAD exomes below 0.00001; gnomAD 0.00001; TOPMed 0.00001.
gnomAD v4.1: 3 of 1,609,180 alleles (0.00019%); highest among the groups gnomAD compares: African/African-American, 0.004%; no homozygotes.

Submissions (2):

Labcorp Genetics (formerly Invitae), Labcorp
Classification: Likely benign for Early-infantile DEE. Last evaluated: 2024-07-15. Review status: criteria provided, single submitter. Criteria: Invitae Variant Classification Sherloc (09022015). Collection method: clinical testing. Allele origin: germline.

GeneDx
Classification: Likely benign. Last evaluated: 2017-03-15. Review status: criteria provided, single submitter. Criteria: GeneDx Variant Classification (06012015). Collection method: clinical testing. Allele origin: germline. Affected: yes.
Comment: This variant is considered likely benign or benign based on one or more of the following criteria: it is a conservative change, it occurs at a poorly conserved position in the protein, it is predicted to be benign by multiple in silico algorithms, and/or has population frequency not consistent with disease.